The following is an entry in ClinVar:

ClinVar aggregate classification (germline): Uncertain significance (1 of 4 stars; one submission).

Conditions:
Jeune thoracic dystrophy. Also called: Jeune syndrome; Infantile thoracic dystrophy; Thoracic pelvic phalangeal dystrophy; Jeune's syndrome; Chondroectodermal dysplasia-like syndrome; Short-rib thoracic dysplasia. Identifiers: Orphanet 474, MedGen C0265275, MONDO:0018770.

gnomAD v4.1: 2 of 1,613,738 alleles (0.00012%); highest among the groups gnomAD compares: Non-Finnish European, 0.00017%; no homozygotes.

Submission:

Labcorp Genetics (formerly Invitae), Labcorp
Classification: Uncertain significance for Jeune thoracic dystrophy. Last evaluated: 2022-06-20. Review status: criteria provided, single submitter. Criteria: Invitae Variant Classification Sherloc (09022015). Collection method: clinical testing. Allele origin: germline.
Comment: This sequence change replaces valine, which is neutral and non-polar, with glycine, which is neutral and non-polar, at codon 678 of the IFT80 protein (p.Val678Gly). In summary, the available evidence is currently insufficient to determine the role of this variant in disease. Therefore, it has been classified as a Variant of Uncertain Significance. Algorithms developed to predict the effect of missense changes on protein structure and function are either unavailable or do not agree on the potential impact of this missense change (SIFT: "Deleterious"; PolyPhen-2: "Benign"; Align-GVGD: "Class C0"). This variant has not been reported in the literature in individuals affected with IFT80-related conditions. This variant is not present in population databases (gnomAD no frequency).

NM_020800.3(IFT80):c.2033T>G (p.Val678Gly)

Genes: TRIM59-IFT80 (TRIM59-IFT80 readthrough (NMD candidate); minus strand), IFT80 (intraflagellar transport 80; minus strand). Cytogenetic location: 3q25.33.
Variant type: single nucleotide variant.
Coding change: c.2033T>G on transcript NM_020800.3 (MANE Select); coding-DNA position 2033, T replaced by G.
Protein change: p.Val678Gly; replaces valine 678 with glycine.
Molecular consequence: missense variant. On other transcripts: non-coding transcript variant (3).
Genome position (GRCh38, 1-based): chr3:160,277,372, A>C on the plus strand (T>G on the coding strand, the complement: IFT80 is on the minus strand). VCF-style: chr3-160277372-A-C. GRCh37 (hg19) VCF-style: chr3-159995160-A-C.
Other names: c.1622T>G, p.Val541Gly (NM_001190241.2, NM_001190242.2); short protein forms V541G, V678G.
Identifiers: ClinVar variation 1482650 (VCV001482650.8), dbSNP rs762893736, ClinGen allele CA355190258.